The following is an entry in ClinVar:

ClinVar aggregate classification (germline): Uncertain significance (1 of 4 stars; one submission).

Conditions:
Nemaline myopathy 9 (NEM9). Identifiers: MedGen C3810384, MONDO:0014326, OMIM 615731.

gnomAD v4.1: 8 of 1,614,124 alleles (0.0005%); highest among the groups gnomAD compares: Non-Finnish European, 0.00059%; no homozygotes.

Submission:

Labcorp Genetics (formerly Invitae), Labcorp
Classification: Uncertain significance for Nemaline myopathy 9. Last evaluated: 2023-08-04. Review status: criteria provided, single submitter. Criteria: Invitae Variant Classification Sherloc (09022015). Collection method: clinical testing. Allele origin: germline.
Comment: This sequence change replaces glycine, which is neutral and non-polar, with alanine, which is neutral and non-polar, at codon 290 of the KLHL41 protein (p.Gly290Ala). This variant is present in population databases (rs774827735, gnomAD 0.002%). This variant has not been reported in the literature in individuals affected with KLHL41-related conditions. ClinVar contains an entry for this variant (Variation ID: 2004630). Advanced modeling of protein sequence and biophysical properties (such as structural, functional, and spatial information, amino acid conservation, physicochemical variation, residue mobility, and thermodynamic stability) performed at Invitae indicates that this missense variant is not expected to disrupt KLHL41 protein function. In summary, the available evidence is currently insufficient to determine the role of this variant in disease. Therefore, it has been classified as a Variant of Uncertain Significance.

NM_006063.3(KLHL41):c.869G>C (p.Gly290Ala)

Gene: KLHL41 (kelch like family member 41; plus strand). Cytogenetic location: 2q31.1.
Variant type: single nucleotide variant.
Coding change: c.869G>C on transcript NM_006063.3 (MANE Select); coding-DNA position 869, G replaced by C.
Protein change: p.Gly290Ala; replaces glycine 290 with alanine.
Molecular consequence: missense variant.
Genome position (GRCh38, 1-based): chr2:169,510,647, G>C. VCF-style: chr2-169510647-G-C. GRCh37 (hg19) VCF-style: chr2-170367157-G-C.
Other names: short protein forms G290A.
Identifiers: ClinVar variation 2004630 (VCV002004630.4), dbSNP rs774827735, ClinGen allele CA1956572.
Genomic context (GRCh38, chr2:169,510,647, plus strand): 5'-CCGCGAAGACTGGGGCTGGTGAGGTGAATGGTGATGTTGGTGATGAAGATTTACTTCCTG[G>C]TTACCTGAATGACATTCCCAGGCATGGAATGTTTGTAAAAGACCTCATCCTCTTGGTTAA-3'
Protein context (NP_006054.2, residues 280-300): GDVGDEDLLP[Gly290Ala]YLNDIPRHGM